The following is an entry in ClinVar:

ClinVar aggregate classification (germline): Uncertain significance (1 of 4 stars; one submission).

Allele frequency attached by ClinVar (database versions not stated): TOPMed below 0.00001; gnomAD 0.00001.
gnomAD v4.1: 2 of 1,613,510 alleles (0.00012%); highest among the groups gnomAD compares: Non-Finnish European, 0.00017%; no homozygotes.

Submission:

Labcorp Genetics (formerly Invitae), Labcorp
Classification: Uncertain significance. Last evaluated: 2025-07-10. Review status: criteria provided, single submitter. Criteria: Invitae Variant Classification Sherloc (09022015). Collection method: clinical testing. Allele origin: germline.
Comment: This sequence change replaces proline, which is neutral and non-polar, with leucine, which is neutral and non-polar, at codon 423 of the CEACAM16 protein (p.Pro423Leu). This variant is not present in population databases (gnomAD no frequency). This variant has not been reported in the literature in individuals affected with CEACAM16-related conditions. ClinVar contains an entry for this variant (Variation ID: 1448819). An algorithm developed to predict the effect of missense changes on protein structure and function outputs the following: PolyPhen-2: "Benign". The leucine amino acid residue is found in multiple mammalian species, which suggests that this missense change does not adversely affect protein function. In summary, the available evidence is currently insufficient to determine the role of this variant in disease. Therefore, it has been classified as a Variant of Uncertain Significance.

NM_001039213.4(CEACAM16):c.1268C>T (p.Pro423Leu)

Genes: CEACAM16 (CEA cell adhesion molecule 16, tectorial membrane component; plus strand), CEACAM16-AS1 (CEACAM16, CEACAM19 and PVR antisense RNA 1; minus strand). Cytogenetic location: 19q13.32.
Variant type: single nucleotide variant.
Coding change: c.1268C>T on transcript NM_001039213.4 (MANE Select); coding-DNA position 1268, C replaced by T.
Protein change: p.Pro423Leu; replaces proline 423 with leucine.
Molecular consequence: missense variant.
Genome position (GRCh38, 1-based): chr19:44,710,496, C>T. VCF-style: chr19-44710496-C-T. GRCh37 (hg19) VCF-style: chr19-45213768-C-T.
Other names: short protein forms P423L.
Identifiers: ClinVar variation 1448819 (VCV001448819.8), dbSNP rs1287924911, ClinGen allele CA406294831.